The following is an entry in ClinVar:

NM_016472.5(GSKIP):c.-1-7_-1-5del

Gene: GSKIP (GSK3B interacting protein; plus strand). Cytogenetic location: 14q32.2.
Variant type: Deletion.
Coding change: c.-1-7_-1-5del on transcript NM_016472.5 (MANE Select); 7 bases into the intron before 1 bases upstream of the start codon through 5 bases into the intron before 1 bases upstream of the start codon, 3 bases deleted (TTT; older notation c.-1-7_-1-5delTTT).
Molecular consequence: intron variant.
Genome position (GRCh38, 1-based): chr14:96,382,240-96,382,242, TTT deleted; deleting any 3 consecutive bases within chr14:96,382,229-96,382,242 gives the same sequence; the c. name uses the placement nearest the transcript's 3' end. VCF-style (leftmost placement, unchanged base first): chr14-96382228-CTTT-C. GRCh37 (hg19) VCF-style: chr14-96848565-CTTT-C.
Other names: c.-1-7_-1-5del (NM_001271905.2, NM_001271906.2, NM_001271904.1); c.-1-7_-1-5delTTT (NM_001271904.1).
Identifiers: ClinVar variation 3034624 (VCV003034624.2), dbSNP rs34610576, ClinGen allele CA7337193.

ClinVar aggregate classification (germline): Likely benign (0 of 4 stars; one submission).

Conditions:
GSKIP-related disorder. Also called: GSKIP-related condition.

Submission:

PreventionGenetics, part of Exact Sciences
Classification: Likely benign for GSKIP-related condition. Last evaluated: 2019-12-16. Review status: no assertion criteria provided. Collection method: clinical testing. Allele origin: germline.
Comment: This variant is classified as likely benign based on ACMG/AMP sequence variant interpretation guidelines (Richards et al. 2015 PMID: 25741868, with internal and published modifications).